The following is an entry in ClinVar:

NM_006017.3(PROM1):c.2215del (p.Thr739fs)

Gene: PROM1 (prominin 1; minus strand). Cytogenetic location: 4p15.32.
Variant type: Deletion.
Coding change: c.2215del on transcript NM_006017.3 (MANE Select); coding-DNA position 2215, one base deleted (A; older notation c.2215delA).
Protein change: p.Thr739fs; shifts the reading frame from threonine 739.
Molecular consequence: frameshift variant.
Genome position (GRCh38, 1-based): chr4:15,985,825, T deleted on the plus strand (A on the coding strand, the reverse complement: PROM1 is on the minus strand); the first of 3 consecutive T bases (chr4:15,985,825-15,985,827); deleting any one gives the same sequence. VCF-style (leftmost placement, unchanged base first): chr4-15985824-GT-G. GRCh37 (hg19) VCF-style: chr4-15987447-GT-G.
Other names: c.2188del, p.Thr730fs (NM_001145847.2, NM_001145848.2, NM_001145851.2 and 4 more transcripts); c.2215del, p.Thr739fs (NM_001145849.2, NM_001145850.2); short protein forms T730fs, T739fs.
Identifiers: ClinVar variation 1074912 (VCV001074912.8), dbSNP rs2149078995, ClinGen allele CA2499217156.

ClinVar aggregate classification (germline): Pathogenic. Review status: criteria provided, multiple submitters, no conflicts (2 of 4 stars). 2 submissions from 2 submitters: Pathogenic (2). Last evaluated 2024-03-29.

Conditions:
Retinal macular dystrophy type 2 (MCDR2). Also called: Bull's eye macular dystrophy. Identifiers: Orphanet 319640, MedGen C4749334, MONDO:0011957, OMIM 608051.

Submissions (2):

Genomic Medicine Center of Excellence, King Faisal Specialist Hospital and Research Centre
Classification: Pathogenic for Retinal macular dystrophy type 2. Last evaluated: 2024-03-29. Review status: criteria provided, single submitter. Criteria: ACMG Guidelines, 2015. Collection method: clinical testing. Allele origin: germline.

Labcorp Genetics (formerly Invitae), Labcorp
Classification: Pathogenic. Last evaluated: 2022-06-27. Review status: criteria provided, single submitter. Criteria: Invitae Variant Classification Sherloc (09022015). Collection method: clinical testing. Allele origin: germline.
Comment: This variant is not present in population databases (gnomAD no frequency). For these reasons, this variant has been classified as Pathogenic. ClinVar contains an entry for this variant (Variation ID: 1074912). This variant has not been reported in the literature in individuals affected with PROM1-related conditions. This sequence change creates a premature translational stop signal (p.Thr739Leufs*8) in the PROM1 gene. It is expected to result in an absent or disrupted protein product. Loss-of-function variants in PROM1 are known to be pathogenic (PMID: 17605048, 19718270, 24154662, 25474345).

Literature cited by the submitters: PubMed 17605048 (cited by Labcorp Genetics (formerly Invitae), Labcorp); PubMed 19718270 (cited by Labcorp Genetics (formerly Invitae), Labcorp); PubMed 24154662 (cited by Labcorp Genetics (formerly Invitae), Labcorp); PubMed 25474345 (cited by Labcorp Genetics (formerly Invitae), Labcorp).